The following is an entry in ClinVar:

NM_015426.5(POC1A):c.719C>T (p.Ser240Leu)

Gene: POC1A (POC1 centriolar protein A; minus strand). Cytogenetic location: 3p21.2.
Variant type: single nucleotide variant.
Coding change: c.719C>T on transcript NM_015426.5 (MANE Select); coding-DNA position 719, C replaced by T.
Protein change: p.Ser240Leu; replaces serine 240 with leucine.
Molecular consequence: missense variant.
Genome position (GRCh38, 1-based): chr3:52,138,263, G>A on the plus strand (C>T on the coding strand, the complement: POC1A is on the minus strand). VCF-style: chr3-52138263-G-A. GRCh37 (hg19) VCF-style: chr3-52172279-G-A.
Other names: c.719C>T, p.Ser240Leu (NM_001161580.2); c.605C>T, p.Ser202Leu (NM_001161581.2); short protein forms S202L, S240L.
Identifiers: ClinVar variation 3899919 (VCV003899919.1).

ClinVar aggregate classification (germline): Pathogenic (1 of 4 stars; one submission).

Conditions:
Short stature-onychodysplasia-facial dysmorphism-hypotrichosis syndrome. Also called: SOFT SYNDROME; Short stature, onychodysplasia, facial dysmorphism, and hypotrichosis. Identifiers: Orphanet 314394, MedGen C3542022, MONDO:0013894, OMIM 614813.

Submission:

Dr. Orhan Ocalgiray Molecular Biology-Biotechnology and Genetics Research Centre (MOBGAM), Istanbul Technical University
Classification: Pathogenic for Short stature-onychodysplasia-facial dysmorphism-hypotrichosis syndrome. Review status: criteria provided, single submitter. Criteria: ACMG Guidelines, 2015. Collection method: research. Allele origin: germline. Inheritance: Autosomal recessive inheritance. Affected: yes. Observed: 1 homozygote.
Comment: The POC1A variant c.719C>T (p.Ser240Leu) can be classified as pathogenic considering its 0.0002635 South Asian frequency and high CADD score (24.8).